The following is an entry in ClinVar:

NM_001105206.3(LAMA4):c.140C>T (p.Pro47Leu)

Genes: LAMA4 (laminin subunit alpha 4; minus strand), LAMA4-AS1 (LAMA4 antisense RNA 1; plus strand). Cytogenetic location: 6q21.
Variant type: single nucleotide variant.
Coding change: c.140C>T on transcript NM_001105206.3 (MANE Select); coding-DNA position 140, C replaced by T.
Protein change: p.Pro47Leu; replaces proline 47 with leucine.
Molecular consequence: missense variant.
Genome position (GRCh38, 1-based): chr6:112,254,011, G>A on the plus strand (C>T on the coding strand, the complement: LAMA4 is on the minus strand). VCF-style: chr6-112254011-G-A. GRCh37 (hg19) VCF-style: chr6-112575213-G-A.
Other names: c.140C>T, p.Pro47Leu (NM_001105207.3, NM_001105208.3, NM_001105209.3 and 1 more transcripts); short protein forms P47L.
Identifiers: ClinVar variation 163799 (VCV000163799.7), dbSNP rs727503115, ClinGen allele CA213099.
Genomic context (GRCh38, chr6:112,254,011, plus strand): 5'-TGTACCTCGGCCGCAGGCGGCAGGCGTCCCAGAGCCACGCGGGGTTCGCTCGTCTCAGGC[G>A]GGTCTTGCCTGCCAACCGCTGAGCTCCCTTCAATGTCAAAAGGAAAAGCGTTGTCGTCCC-3'
Protein context (NP_001098676.2, residues 37-57): EGSSAVGRQD[Pro47Leu]PETSEPRVAL

ClinVar aggregate classification (germline): Conflicting classifications of pathogenicity. Review status: criteria provided, conflicting classifications (1 of 4 stars). 2 submissions from 2 submitters: Uncertain significance (1); Likely benign (1). Last evaluated 2025-11-10.

Conditions:
Cardiovascular phenotype. Identifiers: MedGen CN230736.

Allele frequency attached by ClinVar (database versions not stated): TOPMed below 0.00001.

Submissions (2):

Ambry Genetics
Classification: Uncertain significance for Cardiovascular phenotype. Last evaluated: 2025-11-10. Review status: criteria provided, single submitter. Criteria: Ambry Variant Classification Scheme 2023. Collection method: clinical testing. Allele origin: germline.
Comment: The p.P47L variant (also known as c.140C>T), located in coding exon 1 of the LAMA4 gene, results from a C to T substitution at nucleotide position 140. The proline at codon 47 is replaced by leucine, an amino acid with similar properties. This amino acid position is not well conserved in available vertebrate species, and leucine is the reference amino acid in other vertebrate species. In addition, this alteration is predicted to be tolerated by in silico analysis. Since supporting evidence is limited at this time, the clinical significance of this alteration remains unclear.

Laboratory for Molecular Medicine, Mass General Brigham Personalized Medicine
Classification: Likely benign. Last evaluated: 2016-07-13. Review status: criteria provided, single submitter. Criteria: LMM Criteria. Collection method: clinical testing. Allele origin: germline. Observed: 1 variant allele.
Comment: p.Pro47Leu in exon 2 of LAMA4: This variant is not expected to have clinical sig nificance due to a lack of conservation across species, including mammals. Of no te, multiple mammals (bat, shrew, elephant shrew, armadillo, and Tasmanian devil ) have a leucine (Leu) at this position despite high nearby amino acid conservat ion. In addition, computational analyses (AlignGVGD, PolyPhen2, SIFT) do not sug gest a high likelihood of impact to the protein.